The following is an entry in ClinVar:

NM_020884.7(MYH7B):c.3441G>A (p.Ala1147=)

Gene: MYH7B (myosin heavy chain 7B; plus strand). Cytogenetic location: 20q11.22.
Variant type: single nucleotide variant.
Coding change: c.3441G>A on transcript NM_020884.7 (MANE Select); coding-DNA position 3441, G replaced by A.
Protein change: p.Ala1147=; no amino-acid change (alanine 1147 retained).
Molecular consequence: synonymous variant.
Genome position (GRCh38, 1-based): chr20:34,997,334, G>A. VCF-style: chr20-34997334-G-A. GRCh37 (hg19) VCF-style: chr20-33585137-G-A.
Identifiers: ClinVar variation 2652272 (VCV002652272.24), dbSNP rs554580806, ClinGen allele CA9827733.

ClinVar aggregate classification (germline): Likely benign (1 of 4 stars; one submission).

Allele frequency attached by ClinVar (database versions not stated): 1000 Genomes Project 30x 0.00016; 1000 Genomes Project 0.00020; TOPMed 0.00002; gnomAD 0.00003.
gnomAD v4.1: 37 of 1,545,824 alleles (0.0024%); highest among the groups gnomAD compares: South Asian, 0.0048%; no homozygotes.

Submission:

CeGaT Center for Human Genetics Tuebingen
Classification: Likely benign. Last evaluated: 2023-01-01. Review status: criteria provided, single submitter. Criteria: CeGaT Center For Human Genetics Tuebingen Variant Classification Criteria Version 2. Collection method: clinical testing. Allele origin: germline. Affected: yes. Observed: 1 variant allele.
Comment: MYH7B: BP4, BP7